The following is an entry in ClinVar:

NM_198129.4(LAMA3):c.6555C>T (p.Ala2185=)

Gene: LAMA3 (laminin subunit alpha 3; plus strand). Cytogenetic location: 18q11.2.
Variant type: single nucleotide variant.
Coding change: c.6555C>T on transcript NM_198129.4 (MANE Select); coding-DNA position 6555, C replaced by T.
Protein change: p.Ala2185=; no amino-acid change (alanine 2185 retained).
Molecular consequence: synonymous variant.
Genome position (GRCh38, 1-based): chr18:23,904,634, C>T. VCF-style: chr18-23904634-C-T. GRCh37 (hg19) VCF-style: chr18-21484598-C-T.
Other names: c.1728C>T, p.Ala576= (NM_000227.6); c.6387C>T, p.Ala2129= (NM_001127717.4); c.1560C>T, p.Ala520= (NM_001127718.4).
Identifiers: ClinVar variation 326310 (VCV000326310.17), dbSNP rs35872318, ClinGen allele CA8916417.
Genomic context (GRCh38, chr18:23,904,634, plus strand): 5'-GGATGAGCTGGTGCGCTGTGCTGTGGATGCCGCCACCGCCTACGAGAACATCCTCAATGC[C>T]ATCAAAGCGGCCGAGGACGCAGCCAACAGGGCTGCCAGTGCATCTGAATCTGCCCTCCAG-3'
Protein context (NP_937762.2, residues 2175-2195): AATAYENILN[Ala2185=]IKAAEDAANR

ClinVar aggregate classification (germline): Benign. Review status: criteria provided, multiple submitters, no conflicts (2 of 4 stars). 5 submissions from 4 submitters: Benign (5). Last evaluated 2026-01-31.

Conditions:
Junctional epidermolysis bullosa gravis of Herlitz. Also called: EPIDERMOLYSIS BULLOSA JUNCTIONALIS, HERLITZ TYPE; EPIDERMOLYSIS BULLOSA, JUNCTIONAL, HERLITZ-PEARSON TYPE; JEB-HERLITZ TYPE; Epidermolysis Bullosa Letalis; Herlitz-type junctional epidermolysis bullosa; EPIDERMOLYSIS BULLOSA, JUNCTIONAL 1B, SEVERE. Identifiers: Orphanet 79404, MedGen C0079683, MONDO:0009182, OMIM 226700.
Laryngo-onycho-cutaneous syndrome (JEB2C). Also called: LOGIC SYNDROME; EPIDERMOLYSIS BULLOSA, JUNCTIONAL 2C, LARYNGOONYCHOCUTANEOUS; SHABBIR SYNDROME. Identifiers: Orphanet 2407, MedGen C1328355, MONDO:0009513, OMIM 245660.

Allele frequency attached by ClinVar (database versions not stated): gnomAD exomes 0.00221 and 0.00594; ExAC 0.00781; gnomAD 0.02361 and 0.02513; TOPMed 0.02600; ESP Exome Variant Server 0.02645; 1000 Genomes Project 0.02895; 1000 Genomes Project 30x 0.03139.
gnomAD v4.1: 6,927 of 1,613,804 alleles (0.43%); highest among the groups gnomAD compares: African/African-American, 8.3%; 273 homozygotes.

Submissions (5):

Labcorp Genetics (formerly Invitae), Labcorp
Classification: Benign. Last evaluated: 2026-01-31. Review status: criteria provided, single submitter. Criteria: Invitae Variant Classification Sherloc (09022015). Collection method: clinical testing. Allele origin: germline.

GeneDx
Classification: Benign. Last evaluated: 2022-09-03. Review status: criteria provided, single submitter. Criteria: GeneDx Variant Classification Process June 2021. Collection method: clinical testing. Allele origin: germline. Affected: yes.
Comment: See Variant Classification Assertion Criteria.

Illumina Laboratory Services, Illumina
Classification: Benign for Junctional epidermolysis bullosa gravis of Herlitz. Last evaluated: 2018-01-13. Review status: criteria provided, single submitter. Criteria: ICSL Variant Classification Criteria 13 December 2019. Collection method: clinical testing. Allele origin: germline.
Comment: This variant was observed in the ICSL laboratory as part of a predisposition screen in an ostensibly healthy population. It had not been previously curated by ICSL or reported in the Human Gene Mutation Database (HGMD: prior to June 1st, 2018), and was therefore a candidate for classification through an automated scoring system. Utilizing variant allele frequency, disease prevalence and penetrance estimates, and inheritance mode, an automated score was calculated to assess if this variant is too frequent to cause the disease. Based on the score and internal cut-off values, a variant classified as benign is not then subjected to further curation. The score for this variant resulted in a classification of benign for this disease.

Illumina Laboratory Services, Illumina
Classification: Benign for Laryngo-onycho-cutaneous syndrome. Last evaluated: 2018-01-13. Review status: criteria provided, single submitter. Criteria: ICSL Variant Classification Criteria 13 December 2019. Collection method: clinical testing. Allele origin: germline.
Comment: the same text as in the submission from Illumina Laboratory Services, Illumina above.

Breakthrough Genomics
Classification: Benign. Review status: criteria provided, single submitter. Criteria: ACMG Guidelines, 2015. Collection method: not provided. Allele origin: germline. Inheritance: Autosomal recessive inheritance. Affected: yes.